The following is an entry in ClinVar:

NM_000218.3(KCNQ1):c.1795-5C>A

Genes: KCNQ1 (potassium voltage-gated channel subfamily Q member 1; plus strand), KCNQ1-AS1 (KCNQ1 antisense RNA 1; minus strand). Cytogenetic location: 11p15.4.
Variant type: single nucleotide variant.
Coding change: c.1795-5C>A on transcript NM_000218.3 (MANE Select); 5 bases into the intron before coding-DNA position 1795, C replaced by A.
Molecular consequence: intron variant.
Genome position (GRCh38, 1-based): chr11:2,847,762, C>A. VCF-style: chr11-2847762-C-A. GRCh37 (hg19) VCF-style: chr11-2868992-C-A.
Other names: c.1525-5C>A (NM_001406837.1); c.1699-5C>A (NM_001406836.1); c.1255-5C>A (NM_001406838.1); c.1414-5C>A (NM_181798.2); c.307-5C>A (NM_001406839.1).
Identifiers: ClinVar variation 2076074 (VCV002076074.4), dbSNP rs727503104, ClinGen allele CA2580082623.

ClinVar aggregate classification (germline): Uncertain significance (1 of 4 stars; one submission).

Conditions:
Long QT syndrome (LQTS). Identifiers: MedGen C0023976, MeSH D008133, MONDO:0002442. Disease mechanism: loss of function. Inheritance: Various modes of inheritance.

Submission:

Labcorp Genetics (formerly Invitae), Labcorp
Classification: Uncertain significance for Long QT syndrome. Last evaluated: 2022-03-13. Review status: criteria provided, single submitter. Criteria: Invitae Variant Classification Sherloc (09022015). Collection method: clinical testing. Allele origin: germline.
Comment: This sequence change falls in intron 15 of the KCNQ1 gene. It does not directly change the encoded amino acid sequence of the KCNQ1 protein. This variant is not present in population databases (gnomAD no frequency). This variant has not been reported in the literature in individuals affected with KCNQ1-related conditions. Algorithms developed to predict the effect of sequence changes on RNA splicing suggest that this variant may create or strengthen a splice site. In summary, the available evidence is currently insufficient to determine the role of this variant in disease. Therefore, it has been classified as a Variant of Uncertain Significance.